The following is an entry in ClinVar:

NM_014918.5(CHSY1):c.191A>C (p.Asp64Ala)

Genes: CHSY1 (chondroitin sulfate synthase 1; minus strand), LOC130058068 (ATAC-STARR-seq lymphoblastoid silent region 6885; plus strand). Cytogenetic location: 15q26.3.
Variant type: single nucleotide variant.
Coding change: c.191A>C on transcript NM_014918.5 (MANE Select); coding-DNA position 191, A replaced by C.
Protein change: p.Asp64Ala; replaces aspartic acid 64 with alanine.
Molecular consequence: missense variant.
Genome position (GRCh38, 1-based): chr15:101,251,266, T>G on the plus strand (A>C on the coding strand, the complement: CHSY1 is on the minus strand). VCF-style: chr15-101251266-T-G. GRCh37 (hg19) VCF-style: chr15-101791471-T-G.
Other names: c.191A>C (NM_014918.4); short protein forms D64A.
Identifiers: ClinVar variation 1351016 (VCV001351016.10), dbSNP rs2039108011, ClinGen allele CA393971324.
Genomic context (GRCh38, chr15:101,251,266, plus strand): 5'-CTGTCGCGCGGGCCGCCATCTGGGTCCGAGCCGGGCGGCCAGAGCTGCGCCCCGCGCGCA[T>G]CGCCGCGCGCCCCGCCGGCCTGGGAAGCCGCCGCCTGCCCGGACCGGCAGCCCTCGGGGC-3'
Protein context (NP_055733.2, residues 54-74): AASQAGGARG[Asp64Ala]ARGAQLWPPG

ClinVar aggregate classification (germline): Uncertain significance. Review status: criteria provided, multiple submitters, no conflicts (2 of 4 stars). 2 submissions from 2 submitters: Uncertain significance (2). Last evaluated 2023-07-14.

Conditions:
Inborn genetic diseases. Identifiers: MedGen C0950123, MeSH D030342.
Temtamy preaxial brachydactyly syndrome (TPBS). Identifiers: Orphanet 363417, MedGen C1854466, MONDO:0011533, OMIM 605282.

Allele frequency attached by ClinVar (database versions not stated): gnomAD 0.00001; gnomAD exomes 0.00001; 1000 Genomes Project 30x 0.00016.
gnomAD v4.1: 10 of 1,356,556 alleles (0.00074%); highest among the groups gnomAD compares: South Asian, 0.0053%; no homozygotes.

Submissions (2):

Ambry Genetics
Classification: Uncertain significance for Inborn genetic diseases. Last evaluated: 2023-07-14. Review status: criteria provided, single submitter. Criteria: Ambry Variant Classification Scheme 2023. Collection method: clinical testing. Allele origin: germline.

Labcorp Genetics (formerly Invitae), Labcorp
Classification: Uncertain significance for Temtamy preaxial brachydactyly syndrome. Last evaluated: 2021-05-19. Review status: criteria provided, single submitter. Criteria: Invitae Variant Classification Sherloc (09022015). Collection method: clinical testing. Allele origin: germline.
Comment: In summary, the available evidence is currently insufficient to determine the role of this variant in disease. Therefore, it has been classified as a Variant of Uncertain Significance. Algorithms developed to predict the effect of missense changes on protein structure and function (SIFT, PolyPhen-2, Align-GVGD) all suggest that this variant is likely to be tolerated, but these predictions have not been confirmed by published functional studies and their clinical significance is uncertain. This variant has not been reported in the literature in individuals with CHSY1-related conditions. The frequency data for this variant in the population databases is considered unreliable, as metrics indicate insufficient coverage at this position in the ExAC database. This sequence change replaces aspartic acid with alanine at codon 64 of the CHSY1 protein (p.Asp64Ala). The aspartic acid residue is weakly conserved and there is a moderate physicochemical difference between aspartic acid and alanine.